The following is an entry in ClinVar:

ClinVar aggregate classification (germline): Uncertain significance (1 of 4 stars; one submission).

Conditions:
Immunodeficiency 51 (IMD51). Also called: CANDIDIASIS, FAMILIAL, 5. Identifiers: Orphanet 1334, MedGen C4310803, MONDO:0013500, OMIM 613953.

Submission:

Labcorp Genetics (formerly Invitae), Labcorp
Classification: Uncertain significance for Immunodeficiency 51. Last evaluated: 2023-12-27. Review status: criteria provided, single submitter. Criteria: Invitae Variant Classification Sherloc (09022015). Collection method: clinical testing. Allele origin: unknown.
Comment: A copy number gain of the genomic region encompassing the full coding sequence of the IL17RA gene has been identified. The boundaries of this event are unknown as they extend beyond the assayed region for this gene and therefore may encompass additional genes. As the precise location of this event is unknown, it may be in tandem or it may be located elsewhere in the genome. This variant has not been reported in the literature in individuals affected with IL17RA-related conditions. Experimental studies and prediction algorithms are not available or were not evaluated, and the functional significance of this variant is currently unknown. In summary, the available evidence is currently insufficient to determine the role of this variant in disease. Therefore, it has been classified as a Variant of Uncertain Significance.

NC_000022.10:g.(?_17565982)_(17590710_?)dup

Gene: IL17RA (interleukin 17 receptor A; plus strand). Cytogenetic location: 22q11.1.
Variant type: Duplication.
Identifiers: ClinVar variation 3248040 (VCV003248040.1).